The following is an entry in ClinVar:

NM_003900.5(SQSTM1):c.888G>A (p.Pro296=)

Gene: SQSTM1 (sequestosome 1; plus strand). Cytogenetic location: 5q35.3.
Variant type: single nucleotide variant.
Coding change: c.888G>A on transcript NM_003900.5 (MANE Select); coding-DNA position 888, G replaced by A.
Protein change: p.Pro296=; no amino-acid change (proline 296 retained).
Molecular consequence: synonymous variant.
Genome position (GRCh38, 1-based): chr5:179,833,165, G>A. VCF-style: chr5-179833165-G-A. GRCh37 (hg19) VCF-style: chr5-179260165-G-A.
Other names: c.636G>A, p.Pro212= (NM_001142298.2, NM_001142299.2).
Identifiers: ClinVar variation 475408 (VCV000475408.35), dbSNP rs148984239, ClinGen allele CA3600715.

ClinVar aggregate classification (germline): Benign/Likely benign. Review status: criteria provided, multiple submitters, no conflicts (2 of 4 stars). 3 submissions from 3 submitters: Benign (2); Likely benign (1). Last evaluated 2025-12-30.

Conditions:
Frontotemporal dementia and/or amyotrophic lateral sclerosis 1 (FTDALS1). Also called: Frontotemporal dementia with motor neuron disease 1; C9orf72 Frontotemporal Dementia and/or Amyotrophic Lateral Sclerosis. Identifiers: Orphanet 275872, MedGen C5779877, MONDO:0007105, OMIM 105550.
Paget disease of bone 2, early-onset (PDB2). Also called: Paget disease of bone 2. Identifiers: MedGen C4085251, MONDO:0011183, OMIM 602080.

Allele frequency attached by ClinVar (database versions not stated): ESP Exome Variant Server 0.00046; 1000 Genomes Project 30x 0.00047; 1000 Genomes Project 0.00060; TOPMed 0.00064; gnomAD 0.00073.
gnomAD v4.1: 306 of 1,614,058 alleles (0.019%); highest among the groups gnomAD compares: African/African-American, 0.21%; 1 homozygote.

Submissions (4):

Labcorp Genetics (formerly Invitae), Labcorp
Classification: Benign for Paget disease of bone 2, early-onset; Frontotemporal dementia and/or amyotrophic lateral sclerosis 1. Last evaluated: 2025-12-30. Review status: criteria provided, single submitter. Criteria: Invitae Variant Classification Sherloc (09022015). Collection method: clinical testing. Allele origin: germline.

CeGaT Center for Human Genetics Tuebingen
Classification: Likely benign. Last evaluated: 2024-03-01. Review status: criteria provided, single submitter. Criteria: CeGaT Center For Human Genetics Tuebingen Variant Classification Criteria Version 2. Collection method: clinical testing. Allele origin: germline. Affected: yes. Observed: 1 variant allele.
Comment: SQSTM1: PP3, BS1

GeneDx
Classification: Benign. Last evaluated: 2019-04-24. Review status: criteria provided, single submitter. Criteria: GeneDx Variant Classification Process June 2021. Collection method: clinical testing. Allele origin: germline. Affected: yes.
Comment: This variant is associated with the following publications: (PMID: 25796131)

Dr. Peter K. Rogan Lab, Western University
No classification provided (evidence only). Condition: Melanoma. Review status: no classification provided. Collection method: in vitro. Allele origin: not applicable. Functional consequence: retained intron. Not counted in ClinVar's aggregate classification.